The following is an entry in ClinVar:

ClinVar aggregate classification (germline): Conflicting classifications of pathogenicity. Review status: criteria provided, conflicting classifications (1 of 4 stars). 5 submissions from 5 submitters: Pathogenic (1); Likely pathogenic (3); Uncertain significance (1). Last evaluated 2025-07-22.

Conditions:
Cardiovascular phenotype. Identifiers: MedGen CN230736.
Catecholaminergic polymorphic ventricular tachycardia 1. Also called: RYR2-Related Catecholaminergic Polymorphic Ventricular Tachycardia; VENTRICULAR TACHYCARDIA, STRESS-INDUCED POLYMORPHIC 1; VENTRICULAR TACHYCARDIA, CATECHOLAMINERGIC POLYMORPHIC, 1, WITH OR WITHOUT ATRIAL DYSFUNCTION AND/OR DILATED CARDIOMYOPATHY. Identifiers: Orphanet 3286, MedGen C1631597, MONDO:0011484, OMIM 604772.

Allele frequency attached by ClinVar (database versions not stated): TOPMed below 0.00001; gnomAD 0.00001.

Submissions (5):

GeneDx
Classification: Likely pathogenic. Last evaluated: 2025-07-22. Review status: criteria provided, single submitter. Criteria: GeneDx Variant Classification Process June 2021. Collection method: clinical testing. Allele origin: germline. Affected: yes.
Comment: Not observed at significant frequency in large population cohorts (gnomAD); Published functional studies suggest a damaging effect as p.(D4112N) causes damaged receptor activation (PMID: 33536282); In silico analysis supports that this missense variant has a deleterious effect on protein structure/function; This variant is associated with the following publications: (PMID: 19926015, 33536282)

Ambry Genetics
Classification: Likely pathogenic for Cardiovascular phenotype. Last evaluated: 2025-03-11. Review status: criteria provided, single submitter. Criteria: Ambry Variant Classification Scheme 2023. Collection method: clinical testing. Allele origin: germline.
Comment: The p.D4112N variant (also known as c.12334G>A), located in coding exon 90 of the RYR2 gene, results from a G to A substitution at nucleotide position 12334. The aspartic acid at codon 4112 is replaced by asparagine, an amino acid with highly similar properties. This variant was identified in one or more individuals with features consistent with RYR2-related ventricular arrhythmia, and segregated with disease in at least one family (Song JS et al. J Hum Genet, 2017 Jun;62:615-620; Frontera A et al. J Am Heart Assoc, 2019 May;8:e011172; Sun B et al. Sci Transl Med, 2021 Feb;13; external communication). In an assay testing RYR2 function, this variant showed a functionally abnormal result (Sun B et al. Sci Transl Med, 2021 Feb;13). This missense alteration is located in a region that has a low rate of benign missense variation (Lek M et al. Nature. 2016 Aug 18;536(7616):285-91; DECIPHER: Database of Chromosomal Imbalance and Phenotype in Humans using Ensembl Resources. Firth H.V. et al. 2009. Am.J.Hum.Genet. 84, 524-533 (DOI)). This amino acid position is highly conserved in available vertebrate species. In addition, the in silico prediction for this alteration is inconclusive. This variant is considered to be rare based on population cohorts in the Genome Aggregation Database (gnomAD). Based on the majority of available evidence to date, this variant is likely to be pathogenic.

Labcorp Genetics (formerly Invitae), Labcorp
Classification: Pathogenic for Catecholaminergic polymorphic ventricular tachycardia 1. Last evaluated: 2024-04-15. Review status: criteria provided, single submitter. Criteria: Invitae Variant Classification Sherloc (09022015). Collection method: clinical testing. Allele origin: germline.
Comment: This sequence change replaces aspartic acid, which is acidic and polar, with asparagine, which is neutral and polar, at codon 4112 of the RYR2 protein (p.Asp4112Asn). This variant is not present in population databases (gnomAD no frequency). This missense change has been observed in individuals with autosomal dominant clinical features of RYR2-related conditions (PMID: 28202948, 33536282; Invitae). It has also been observed to segregate with disease in related individuals. ClinVar contains an entry for this variant (Variation ID: 1021015). Advanced modeling of protein sequence and biophysical properties (such as structural, functional, and spatial information, amino acid conservation, physicochemical variation, residue mobility, and thermodynamic stability) performed at Invitae indicates that this missense variant is expected to disrupt RYR2 protein function with a positive predictive value of 95%. For these reasons, this variant has been classified as Pathogenic.

KardioGenetik, Herz- und Diabeteszentrum NRW
Classification: Likely pathogenic for Catecholaminergic polymorphic ventricular tachycardia 1. Last evaluated: 2023-07-03. Review status: criteria provided, single submitter. Criteria: ACMG Guidelines, 2015. Collection method: clinical testing. Allele origin: unknown. Affected: yes. Observed: 1 variant allele.

Blueprint Genetics
Classification: Uncertain significance. Last evaluated: 2019-01-14. Review status: criteria provided, single submitter. Criteria: ACMG Guidelines, 2015. Collection method: clinical testing. Allele origin: germline.

Literature cited by the submitters: PubMed 28202948 (cited by Ambry Genetics and Labcorp Genetics (formerly Invitae), Labcorp); PubMed 31057083 (cited by Ambry Genetics); PubMed 33536282 (cited by Ambry Genetics and Labcorp Genetics (formerly Invitae), Labcorp).

NM_001035.3(RYR2):c.12334G>A (p.Asp4112Asn)

Gene: RYR2 (ryanodine receptor 2; plus strand). Cytogenetic location: 1q43.
Variant type: single nucleotide variant.
Coding change: c.12334G>A on transcript NM_001035.3 (MANE Select); coding-DNA position 12334, G replaced by A.
Protein change: p.Asp4112Asn; replaces aspartic acid 4112 with asparagine.
Molecular consequence: missense variant.
Genome position (GRCh38, 1-based): chr1:237,784,046, G>A. VCF-style: chr1-237784046-G-A. GRCh37 (hg19) VCF-style: chr1-237947346-G-A.
Other names: c.12334G>A (NM_001035.2); short protein forms D4112N.
Identifiers: ClinVar variation 1021015 (VCV001021015.13), dbSNP rs1695348814, ClinGen allele CA345412990.